The following is an entry in ClinVar:

NM_031935.3(HMCN1):c.14105A>G (p.Lys4702Arg)

Gene: HMCN1 (hemicentin 1; plus strand). Cytogenetic location: 1q31.1.
Variant type: single nucleotide variant.
Coding change: c.14105A>G on transcript NM_031935.3 (MANE Select); coding-DNA position 14105, A replaced by G.
Protein change: p.Lys4702Arg; replaces lysine 4702 with arginine.
Molecular consequence: missense variant.
Genome position (GRCh38, 1-based): chr1:186,144,542, A>G. VCF-style: chr1-186144542-A-G. GRCh37 (hg19) VCF-style: chr1-186113674-A-G.
Other names: short protein forms K4702R.
Identifiers: ClinVar variation 3706735 (VCV003706735.2).

ClinVar aggregate classification (germline): Uncertain significance (1 of 4 stars; one submission).

gnomAD v4.1: 2 of 1,614,058 alleles (0.00012%); highest among the groups gnomAD compares: Non-Finnish European, 0.00017%; no homozygotes.

Submission:

Labcorp Genetics (formerly Invitae), Labcorp
Classification: Uncertain significance. Last evaluated: 2024-07-25. Review status: criteria provided, single submitter. Criteria: Invitae Variant Classification Sherloc (09022015). Collection method: clinical testing. Allele origin: germline.
Comment: This sequence change replaces lysine, which is basic and polar, with arginine, which is basic and polar, at codon 4702 of the HMCN1 protein (p.Lys4702Arg). This variant is not present in population databases (gnomAD no frequency). This variant has not been reported in the literature in individuals affected with HMCN1-related conditions. An algorithm developed to predict the effect of missense changes on protein structure and function outputs the following: PolyPhen-2: "Benign". The arginine amino acid residue is found in multiple mammalian species, which suggests that this missense change does not adversely affect protein function. In summary, the available evidence is currently insufficient to determine the role of this variant in disease. Therefore, it has been classified as a Variant of Uncertain Significance.